The following is an entry in ClinVar:

NM_001365276.2(TNXB):c.2415T>G (p.Tyr805Ter)

Gene: TNXB (tenascin XB; minus strand). Cytogenetic location: 6p21.33.
Variant type: single nucleotide variant.
Coding change: c.2415T>G on transcript NM_001365276.2 (MANE Select); coding-DNA position 2415, T replaced by G.
Protein change: p.Tyr805Ter; replaces tyrosine 805 with a stop codon.
Molecular consequence: nonsense.
Genome position (GRCh38, 1-based): chr6:32,089,323, A>C on the plus strand (T>G on the coding strand, the complement: TNXB is on the minus strand). VCF-style: chr6-32089323-A-C. GRCh37 (hg19) VCF-style: chr6-32057100-A-C.
Other names: c.2415T>G, p.Tyr805Ter (NM_001428335.1, NM_019105.8); short protein forms Y805*.
Identifiers: ClinVar variation 5015165 (VCV005015165.1).
Genomic context (GRCh38, chr6:32,089,323, plus strand): 5'-CCCTCGAAGGGCTCGGACAGTGACCTGGTACTCCTGTCCAGGGGCCAGTCCTCTCTGGTC[A>C]TAGGCTGAGGCAGAGCTTGGAACCCGTGCTGTGAATGGGGGGCTCGCCCCCTCTGTCTGT-3'

ClinVar aggregate classification (germline): Pathogenic (1 of 4 stars; one submission).

Conditions:
Ehlers-Danlos syndrome due to tenascin-X deficiency (EDSCLL1). Also called: EDS DUE TO TNX DEFICIENCY; TNX DEFICIENCY; Ehlers-Danlos syndrome, classic-like, 1; EHLERS-DANLOS SYNDROME, CLASSIC-LIKE; TNXB-Related Classical-Like Ehlers-Danlos Syndrome. Identifiers: Orphanet 230839, MedGen C1848029, MONDO:0011670, OMIM 606408.

Submission:

Myriad Genetics, Inc.
Classification: Pathogenic for Ehlers-Danlos syndrome due to tenascin-X deficiency. Last evaluated: 2025-11-04. Review status: criteria provided, single submitter. Criteria: Myriad Autosomal Dominant, Autosomal Recessive and X-Linked Classification Criteria (2023). Collection method: clinical testing. Allele origin: unknown.
Comment: NM_019105.6(TNXB):c.2415T>G(Y805*) is expected to be pathogenic in the context of classical-like Ehlers-Danlos syndrome, TNXB-related. This variant is predicted to lead to an abnormal or absent protein product due to the creation of a premature termination codon in TNXB, a gene where loss-of-function variants are known to be pathogenic. Please note: this variant was assessed in the context of healthy population screening.